The following is an entry in ClinVar:

NM_018684.4(ZC4H2):c.566G>T (p.Cys189Phe)

Gene: ZC4H2 (zinc finger C4H2-type containing; minus strand). Cytogenetic location: Xq11.2.
Variant type: single nucleotide variant.
Coding change: c.566G>T on transcript NM_018684.4 (MANE Select); coding-DNA position 566, G replaced by T.
Protein change: p.Cys189Phe; replaces cysteine 189 with phenylalanine.
Molecular consequence: missense variant. On other transcripts: non-coding transcript variant (1).
Genome position (GRCh38, 1-based): chrX:64,917,892, C>A on the plus strand (G>T on the coding strand, the complement: ZC4H2 is on the minus strand). VCF-style: chrX-64917892-C-A. GRCh37 (hg19) VCF-style: chrX-64137772-C-A.
Other names: c.497G>T, p.Cys166Phe (NM_001178032.3, NM_001243804.2); c.403G>T, p.Ala135Ser (NM_001178033.3); short protein forms A135S, C166F, C189F.
Identifiers: ClinVar variation 4819337 (VCV004819337.1).

ClinVar aggregate classification (germline): Likely pathogenic (1 of 4 stars; one submission).

Conditions:
Wieacker-Wolff syndrome, female-restricted (WRWFFR). Identifiers: MedGen C5393303, MONDO:0026762, OMIM 301041.

Submission:

Clinical Biomedical Laboratory, Shriners Hospital For Children - Canada
Classification: Likely pathogenic for Wieacker-Wolff syndrome, female-restricted. Review status: criteria provided, single submitter. Criteria: ACMG Guidelines, 2015. Collection method: clinical testing. Allele origin: germline. Affected: yes.
Comment: This variant is predicted to substitute a cysteine residue by a phenylalanine residue in ZC4H2. The gene is associated with X-linked arthrogryposis (PMID: 31206972). The variant is absent from the Genome Aggregation Database v.2.1.1, indicating it is rare. A missense variant affecting the same amino acid (c.566G>C; p.Cys189Ser) has been reported in one individual with Wieacker-Wolff syndrome, which includes arthrogryposis as a characteristic (ClinVar Variation ID 1723185). The variant is located in a domain with several pathogenic variants. Computational tools (SIFT = 0.05, damaging; Polyphen-2 = 0.94, detrimental; PhyloP = 7.22 conserved) suggest that the amino acid is conserved and that the change is detrimental to protein function. Based on the ACMG variant interpretation guidelines, the available evidence supports classification of this variant as likely pathogenic.